The following is an entry in ClinVar:

NC_000017.10:g.(?_56432304)_(56811583_?)dup

Genes: C17orf47 (chromosome 17 open reading frame 47; minus strand), HSF5 (heat shock transcription factor 5; minus strand), MTMR4 (myotubularin related protein 4; minus strand), RAD51C (RAD51 paralog C; plus strand), RNF43 (ring finger protein 43; minus strand) and 2 more. Cytogenetic location: 17q22.
Variant type: Duplication.
Identifiers: ClinVar variation 1042799 (VCV001042799.2).

ClinVar aggregate classification (germline): Uncertain significance (1 of 4 stars; one submission).

Conditions:
Fanconi anemia complementation group O. Also called: RAD51C-Related Fanconi Anemia. Identifiers: Orphanet 84, MedGen C3150653, MONDO:0013248, OMIM 613390.

Submission:

Labcorp Genetics (formerly Invitae), Labcorp
Classification: Uncertain significance for Fanconi anemia complementation group O. Last evaluated: 2021-11-05. Review status: criteria provided, single submitter. Criteria: Invitae Variant Classification Sherloc (09022015). Collection method: clinical testing. Allele origin: germline.
Comment: A copy number gain of the genomic region encompassing the full coding sequence of the RAD51C gene has been identified. The boundaries of this event are unknown as they extend beyond the assayed region for this gene and therefore may encompass additional genes. As the precise location of this event is unknown, it may be in tandem or it may be located elsewhere in the genome. This variant has not been reported in the literature in individuals affected with RAD51C-related conditions. In summary, the available evidence is currently insufficient to determine the role of this variant in disease. Therefore, it has been classified as a Variant of Uncertain Significance.